The following is an entry in ClinVar:

ClinVar aggregate classification (germline): Conflicting classifications of pathogenicity. Review status: criteria provided, conflicting classifications (1 of 4 stars). 2 submissions from 2 submitters: Likely pathogenic (1); Uncertain significance (1). Last evaluated 2025-04-03.

Conditions:
Usher syndrome type 1B (USH1B). Also called: Usher syndrome type IB. Identifiers: MedGen C1848638, MONDO:0700087.

Allele frequency attached by ClinVar (database versions not stated): gnomAD 0.00001; ExAC 0.00003.

Submissions (2):

Natera, Inc.
Classification: Likely pathogenic for Usher syndrome type 1B. Last evaluated: 2025-04-03. Review status: criteria provided, single submitter. Criteria: Natera Variant Classification Schema (03/2026). Collection method: clinical testing. Allele origin: germline.
Comment: The c.247C>T variant in MYO7A is a missense variant predicted to cause substitution of arginine to cysteine at amino acid 83. This variant is rare in the general population with a frequency below the threshold expected for the associated phenotype(s). This variant has been observed in one or more individuals affected with the associated recessive disease, as either homozygous or compound heterozygous with a second variant (PMID: 39967327, 27344577). A different variant at the same position has been determined to be Pathogenic or Likely Pathogenic. Computational prediction algorithms indicate this variant is likely to affect gene or protein function. Given the available evidence, this variant is classified as Likely Pathogenic.

Labcorp Genetics (formerly Invitae), Labcorp
Classification: Uncertain significance. Last evaluated: 2022-03-31. Review status: criteria provided, single submitter. Criteria: Invitae Variant Classification Sherloc (09022015). Collection method: clinical testing. Allele origin: germline.
Comment: This sequence change replaces arginine, which is basic and polar, with cysteine, which is neutral and slightly polar, at codon 83 of the MYO7A protein (p.Arg83Cys). The frequency data for this variant in the population databases is considered unreliable, as metrics indicate poor data quality at this position in the gnomAD database. This missense change has been observed in individuals with autosomal recessive MYO7A-related conditions (Invitae). Advanced modeling of protein sequence and biophysical properties (such as structural, functional, and spatial information, amino acid conservation, physicochemical variation, residue mobility, and thermodynamic stability) performed at Invitae indicates that this missense variant is expected to disrupt MYO7A protein function. In summary, the available evidence is currently insufficient to determine the role of this variant in disease. Therefore, it has been classified as a Variant of Uncertain Significance.

Literature cited by the submitters: PubMed 39967327 (cited by Natera, Inc.); PubMed 27344577 (cited by Natera, Inc.).

NM_000260.4(MYO7A):c.247C>T (p.Arg83Cys)

Gene: MYO7A (myosin VIIA; plus strand). Cytogenetic location: 11q13.5.
Variant type: single nucleotide variant.
Coding change: c.247C>T on transcript NM_000260.4 (MANE Select); coding-DNA position 247, C replaced by T.
Protein change: p.Arg83Cys; replaces arginine 83 with cysteine.
Molecular consequence: missense variant.
Genome position (GRCh38, 1-based): chr11:77,147,912, C>T. VCF-style: chr11-77147912-C-T. GRCh37 (hg19) VCF-style: chr11-76858958-C-T.
Other names: c.247C>T, p.Arg83Cys (NM_001127180.2); c.214C>T, p.Arg72Cys (NM_001369365.1); c.247C>T (NM_000260.3); short protein forms R83C, R72C.
Identifiers: ClinVar variation 2098735 (VCV002098735.2), dbSNP rs781790246, ClinGen allele CA6197077.
Genomic context (GRCh38, chr11:77,147,912, plus strand): 5'-TCGGTCCACGGCGTGGAGGACATGATCCGCCTGGGGGACCTCAACGAGGCGGGCATCTTG[C>T]GCAACCTGCTTATCCGCTACCGGGACCACCTCATCTACGTGAGTGCCGCCCCGCCCGGTG-3'
Protein context (NP_000251.3, residues 73-93): LGDLNEAGIL[Arg83Cys]NLLIRYRDHL